The following is an entry in ClinVar:

ClinVar aggregate classification (germline): Uncertain significance (1 of 4 stars; one submission).

Allele frequency attached by ClinVar (database versions not stated): gnomAD 0.00003.
gnomAD v4.1: 4 of 1,613,966 alleles (0.00025%); highest among the groups gnomAD compares: East Asian, 0.0022%; no homozygotes.

Submission:

Labcorp Genetics (formerly Invitae), Labcorp
Classification: Uncertain significance. Last evaluated: 2015-11-05. Review status: criteria provided, single submitter. Criteria: Invitae Variant Classification Sherloc (09022015). Collection method: clinical testing. Allele origin: germline.
Comment: In summary, this is a novel missense change with uncertain impact on protein function. It has been classified as a Variant of Uncertain Significance. Algorithms developed to predict the effect of missense changes on protein structure and function (SIFT, PolyPhen-2, Align-GVGD) all suggest that this variant is likely to be disruptive, but these predictions have not been confirmed by published functional studies. This variant is not present in population databases (ExAC no frequency) and has not been reported in the literature. This sequence change replaces lysine with threonine at codon 65 of the EPCAM protein (p.Lys65Thr). The lysine residue is highly conserved and there is a moderate physicochemical difference between lysine and threonine.

NM_002354.3(EPCAM):c.194A>C (p.Lys65Thr)

Gene: EPCAM (epithelial cell adhesion molecule; plus strand). Cytogenetic location: 2p21.
Variant type: single nucleotide variant.
Coding change: c.194A>C on transcript NM_002354.3 (MANE Select); coding-DNA position 194, A replaced by C.
Protein change: p.Lys65Thr; replaces lysine 65 with threonine.
Molecular consequence: missense variant.
Genome position (GRCh38, 1-based): chr2:47,373,817, A>C. VCF-style: chr2-47373817-A-C. GRCh37 (hg19) VCF-style: chr2-47600956-A-C.
Other names: short protein forms K65T.
Identifiers: ClinVar variation 221097 (VCV000221097.9), dbSNP rs864622746, ClinGen allele CA349939.